The following is an entry in ClinVar:

ClinVar aggregate classification (germline): Uncertain significance (1 of 4 stars; one submission).

Conditions:
SEMA3C-related disorder. Also called: SEMA3C-related condition.

Submission:

PreventionGenetics, part of Exact Sciences
Classification: Uncertain significance for SEMA3C-related condition. Last evaluated: 2026-08-27. Review status: criteria provided, single submitter. Criteria: ACMG Guidelines, 2015. Collection method: clinical testing. Allele origin: germline.
Comment: The SEMA3C c.1322T>C variant is predicted to result in the amino acid substitution p.Ile441Thr. To our knowledge, this variant has not been reported in the literature. This variant is reported in 0.00088% of alleles in individuals of European (Non-Finnish) descent in gnomAD. At this time, the clinical significance of this variant is uncertain due to the absence of conclusive functional and genetic evidence.

NM_006379.5(SEMA3C):c.1268T>C (p.Ile423Thr)

Gene: SEMA3C (semaphorin 3C; minus strand). Cytogenetic location: 7q21.11.
Variant type: single nucleotide variant.
Coding change: c.1268T>C on transcript NM_006379.5 (MANE Select); coding-DNA position 1268, T replaced by C.
Protein change: p.Ile423Thr; replaces isoleucine 423 with threonine.
Molecular consequence: missense variant.
Genome position (GRCh38, 1-based): chr7:80,789,392, A>G on the plus strand (T>C on the coding strand, the complement: SEMA3C is on the minus strand). VCF-style: chr7-80789392-A-G. GRCh37 (hg19) VCF-style: chr7-80418708-A-G.
Other names: c.1322T>C, p.Ile441Thr (NM_001350120.2); c.1094T>C, p.Ile365Thr (NM_001350121.2); short protein forms I365T, I441T, I423T.
Identifiers: ClinVar variation 4982214 (VCV004982214.1).